The following is an entry in ClinVar:

ClinVar aggregate classification (germline): Uncertain significance. Review status: criteria provided, multiple submitters, no conflicts (2 of 4 stars). 4 submissions from 4 submitters: Uncertain significance (4). Last evaluated 2023-03-07.

Conditions:
Wilson-Turner syndrome (WTS). Also called: INTELLECTUAL DEVELOPMENTAL DISORDER, X-LINKED, SYNDROMIC, WILSON-TURNER TYPE; MENTAL RETARDATION, X-LINKED, SYNDROMIC 6. Identifiers: Orphanet 3459, MedGen C1839736, MONDO:0010665, OMIM 309585.

Allele frequency attached by ClinVar (database versions not stated): gnomAD exomes 0.00001; TOPMed 0.00004.

Submissions (4):

Pittsburgh Clinical Genomics Laboratory, University of Pittsburgh Medical Center
Classification: Uncertain significance for Wilson-Turner syndrome. Last evaluated: 2023-03-07. Review status: criteria provided, single submitter. Criteria: ACMG Guidelines, 2015. Collection method: clinical testing. Allele origin: germline. Inheritance: X-linked recessive inheritance. Affected: yes.
Comment: This sequence variant is a single nucleotide substitution (G>A) at coding position 2051 in the LAS1L gene which results in an arginine to glutamine amino acid change at residue 684 in the LAS1L protein. This is a previously reported variant (ClinVar) which has not been observed in the literature in individuals with LAS1L-related disease, to our knowledge. This variant is absent from the gnomAD population database (0/159811 alleles). Multiple bioinformatic tools predict that this protein change is likely to be tolerated, though arginine is highly conserved at this protein position in mammals. Functiol studies testing the effects of this variant have not been performed, to our knowledge. At this time, there is insufficient evidence to determine if this variant is pathogenic or benign. Therefore, we consider it to be a variant of uncertain significance. ACMG Criteria: BP4, PM2

Labcorp Genetics (formerly Invitae), Labcorp
Classification: Uncertain significance for Wilson-Turner syndrome. Last evaluated: 2022-11-29. Review status: criteria provided, single submitter. Criteria: Invitae Variant Classification Sherloc (09022015). Collection method: clinical testing. Allele origin: germline.
Comment: This sequence change replaces arginine, which is basic and polar, with glutamine, which is neutral and polar, at codon 684 of the LAS1L protein (p.Arg684Gln). In summary, the available evidence is currently insufficient to determine the role of this variant in disease. Therefore, it has been classified as a Variant of Uncertain Significance. Advanced modeling of protein sequence and biophysical properties (such as structural, functional, and spatial information, amino acid conservation, physicochemical variation, residue mobility, and thermodynamic stability) performed at Invitae indicates that this missense variant is not expected to disrupt LAS1L protein function. ClinVar contains an entry for this variant (Variation ID: 1005027). This variant has not been reported in the literature in individuals affected with LAS1L-related conditions. This variant is not present in population databases (gnomAD no frequency).

ARUP Laboratories, Molecular Genetics and Genomics, ARUP Laboratories
Classification: Uncertain significance for Wilson-Turner syndrome. Last evaluated: 2022-03-02. Review status: criteria provided, single submitter. Criteria: ARUP Molecular Germline Variant Investigation Process 2021. Collection method: clinical testing. Allele origin: germline.
Comment: The LASL1 c.2051G>A; p.Arg684Gln variant (rs900809839), to our knowledge, is not reported in the medical literature but is reported in ClinVar (Variation ID: 1005027). This variant is also absent from the Genome Aggregation Database, indicating it is not a common polymorphism, but this region is not well covered in this database. The arginine at codon 684 is weakly conserved, and computational analyses predict that this variant is neutral (REVEL: 0.071). Due to limited information, the clinical significance of the p.Arg684Gln variant is uncertain at this time.

AiLife Diagnostics
Classification: Uncertain significance. Last evaluated: 2021-07-29. Review status: criteria provided, single submitter. Criteria: ACMG Guidelines, 2015. Collection method: clinical testing. Allele origin: germline. Affected: yes. Observed: 1 variant allele.

NM_031206.7(LAS1L):c.2051G>A (p.Arg684Gln)

Gene: LAS1L (LAS1 like ribosome biogenesis factor; minus strand). Cytogenetic location: Xq12.
Variant type: single nucleotide variant.
Coding change: c.2051G>A on transcript NM_031206.7 (MANE Select); coding-DNA position 2051, G replaced by A.
Protein change: p.Arg684Gln; replaces arginine 684 with glutamine.
Molecular consequence: missense variant. On other transcripts: non-coding transcript variant (1).
Genome position (GRCh38, 1-based): chrX:65,514,850, C>T on the plus strand (G>A on the coding strand, the complement: LAS1L is on the minus strand). VCF-style: chrX-65514850-C-T. GRCh37 (hg19) VCF-style: chrX-64734730-C-T.
Other names: c.2000G>A, p.Arg667Gln (NM_001170649.2); c.1874G>A, p.Arg625Gln (NM_001170650.2); c.2048G>A, p.Arg683Gln (NM_001375328.1); c.1094G>A, p.Arg365Gln (NM_001375332.1); c.1997G>A, p.Arg666Gln (NM_001375333.1); c.2051G>A (NM_031206.4); short protein forms R365Q, R625Q, R666Q, R667Q, R683Q, R684Q.
Identifiers: ClinVar variation 1005027 (VCV001005027.11), dbSNP rs900809839, ClinGen allele CA329963073.
Genomic context (GRCh38, chrX:65,514,850, plus strand): 5'-GGGGTGAGAAATCCTGTTGCCATGGGCACTCACTCAGTCTTGCATGTTGAGGGTTCCAGC[C>T]GCTGCTCTAGCACAGGCTGGTCCAAAAGATACATGGTGTCATAATTCTCCAGCATGAGCT-3'
Protein context (NP_112483.1, residues 674-694): YLLDQPVLEQ[Arg684Gln]LEPSTCKTDT